The following is an entry in ClinVar:

NM_000245.4(MET):c.142_144delinsACA (p.Ala48Thr)

Gene: MET (MET proto-oncogene, receptor tyrosine kinase; plus strand). Cytogenetic location: 7q31.2.
Variant type: Indel.
Coding change: c.142_144delinsACA on transcript NM_000245.4 (MANE Select); coding-DNA positions 142 to 144, GCG replaced by ACA.
Protein change: p.Ala48Thr; replaces alanine 48 with threonine.
Molecular consequence: missense variant. On other transcripts: intron variant (1).
Genome position (GRCh38, 1-based): chr7:116,699,226-116,699,228, GCG replaced by ACA. VCF-style: chr7-116699226-GCG-ACA. GRCh37 (hg19) VCF-style: chr7-116339280-GCG-ACA.
Other names: c.142_144delinsACA, p.Ala48Thr (NM_001127500.3, NM_001324401.3); c.-91+26649_-91+26651delinsACA (NM_001324402.2); short protein forms A48T.
Identifiers: ClinVar variation 3773491 (VCV003773491.1).

ClinVar aggregate classification (germline): Likely benign (1 of 4 stars; one submission).

Conditions:
Papillary renal cell carcinoma type 1 (RCCP1). Also called: RENAL CELL CARCINOMA, PAPILLARY, 1, SOMATIC; Renal adenocarcinoma; Renal cell carcinoma 1; Renal cell carcinoma, somatic. Identifiers: Orphanet 47044, MedGen C1336839, OMIM 605074, HP:0011797.

Submission:

Myriad Genetics, Inc.
Classification: Likely benign for Papillary renal cell carcinoma type 1. Last evaluated: 2024-11-06. Review status: criteria provided, single submitter. Criteria: Myriad Autosomal Dominant, Autosomal Recessive and X-Linked Classification Criteria (2023). Collection method: clinical testing. Allele origin: unknown.
Comment: This variant is considered likely benign. This variant has been observed at a population frequency that is significantly greater than expected given the associated disease prevalence and penetrance.